The following is an entry in ClinVar:

ClinVar aggregate classification (germline): Pathogenic/Likely pathogenic. Review status: criteria provided, multiple submitters, no conflicts (2 of 4 stars). 3 submissions from 3 submitters: Pathogenic (2); Likely pathogenic (1). Last evaluated 2025-05-30.

Conditions:
Hereditary cancer-predisposing syndrome. Also called: Hereditary Cancer Syndrome; Hereditary neoplastic syndrome; Neoplastic Syndromes, Hereditary; Tumor predisposition. Identifiers: Orphanet 140162, MedGen C0027672, MeSH D009386, MONDO:0015356.
Familial adenomatous polyposis 1 (FAP1). Also called: FAMILIAL ADENOMATOUS POLYPOSIS 1, ATTENUATED; POLYPOSIS, ADENOMATOUS INTESTINAL. Identifiers: MedGen C2713442, MONDO:0021056, OMIM 175100. Disease mechanism: loss of function.

Submissions (3):

Color Diagnostics, LLC DBA Color Health
Classification: Pathogenic for Hereditary cancer-predisposing syndrome. Last evaluated: 2025-05-30. Review status: criteria provided, single submitter. Criteria: ACMG Guidelines, 2015. Collection method: clinical testing. Allele origin: germline.
Comment: This variant deletes 1 nucleotide in exon 16 of the APC gene, creating a frameshift and premature translation stop signal. This variant is expected to result in an absent or non-functional protein product. To our knowledge, this variant has not been reported in individuals affected with APC-related disorders in the literature. This variant has not been identified in the general population by the Genome Aggregation Database (gnomAD). Loss of APC function is a known mechanism of disease. Based on the available evidence, this variant is classified as Pathogenic.

Myriad Genetics, Inc.
Classification: Pathogenic for Familial adenomatous polyposis 1. Last evaluated: 2023-05-16. Review status: criteria provided, single submitter. Criteria: Myriad Autosomal Dominant, Autosomal Recessive and X-Linked Classification Criteria (2023). Collection method: clinical testing. Allele origin: unknown.
Comment: This variant is considered pathogenic. This variant creates a frameshift predicted to result in premature protein truncation.

Sema4
Classification: Likely pathogenic for Hereditary cancer-predisposing syndrome. Last evaluated: 2021-06-27. Review status: criteria provided, single submitter. Criteria: Sema4 Curation Guidelines. Collection method: curation. Allele origin: germline.
Comment: To the best of our knowledge, the APC c.7904delC (p.T2635KfsX9) variant has not been reported in individuals with APC-related disease. At this genomic location, this variant is not predicted to cause nonsense-mediated decay but the protein product is expected to be truncated. Multiple truncating variants associated with disease have been reported downstream of this variant, including patients with attenuated familial adenomatous polyposis with desmoids (PMID 27081525). Therefore the specific disease phenotype associated with this variant is unclear. This variant is not reported in the population database Genome Aggregation Database (PMID: 32461654) and has not been reported in ClinVar. Based on the current evidence available, this variant is interpreted as likely pathogenic.

Literature cited by the submitters: PubMed 27081525 (cited by Sema4).

NM_000038.6(APC):c.7904del (p.Thr2635fs)

Gene: APC (APC regulator of Wnt signaling pathway; plus strand). Cytogenetic location: 5q22.2.
Variant type: Deletion.
Coding change: c.7904del on transcript NM_000038.6 (MANE Select); coding-DNA position 7904, one base deleted (C; older notation c.7904delC).
Protein change: p.Thr2635fs; shifts the reading frame from threonine 2635.
Molecular consequence: frameshift variant.
Genome position (GRCh38, 1-based): chr5:112,843,498, C deleted. VCF-style (leftmost placement, unchanged base first): chr5-112843497-AC-A. GRCh37 (hg19) VCF-style: chr5-112179194-AC-A.
Other names: c.7904del, p.Thr2635fs (NM_001127510.3, NM_001354895.2); c.7850del, p.Thr2617fs (NM_001127511.3); c.7958del, p.Thr2653fs (NM_001354896.2); c.7934del, p.Thr2645fs (NM_001354897.2); c.7829del, p.Thr2610fs (NM_001354898.2); c.7820del, p.Thr2607fs (NM_001354899.2); c.7781del, p.Thr2594fs (NM_001354900.2); c.7727del, p.Thr2576fs (NM_001354901.2); and 5 more; short protein forms T2352fs, T2475fs, T2509fs, T2534fs, T2544fs, T2576fs, T2594fs, T2607fs.
Identifiers: ClinVar variation 1692394 (VCV001692394.3), dbSNP rs2149995957, ClinGen allele CA2573138679.